The following is an entry in ClinVar:

ClinVar aggregate classification (germline): Uncertain significance. Review status: criteria provided, multiple submitters, no conflicts (2 of 4 stars). 2 submissions from 2 submitters: Uncertain significance (2). Last evaluated 2023-03-19.

Conditions:
Neurofibromatosis, type 1 (NF1). Also called: Neurofibromatosis, type I; NEUROFIBROMATOSIS, TYPE I, SOMATIC; VON RECKLINGHAUSEN DISEASE; Peripheral type neurofibromatosis. Identifiers: Orphanet 636, MedGen C0027831, MONDO:0018975, OMIM 162200. Disease mechanism: loss of function.

Submissions (2):

Labcorp Genetics (formerly Invitae), Labcorp
Classification: Uncertain significance for Neurofibromatosis, type 1. Last evaluated: 2023-03-19. Review status: criteria provided, single submitter. Criteria: Invitae Variant Classification Sherloc (09022015). Collection method: clinical testing. Allele origin: germline.
Comment: In summary, the available evidence is currently insufficient to determine the role of this variant in disease. Therefore, it has been classified as a Variant of Uncertain Significance. Advanced modeling of protein sequence and biophysical properties (such as structural, functional, and spatial information, amino acid conservation, physicochemical variation, residue mobility, and thermodynamic stability) has been performed at Invitae for this missense variant, however the output from this modeling did not meet the statistical confidence thresholds required to predict the impact of this variant on NF1 protein function. This variant has not been reported in the literature in individuals affected with NF1-related conditions. This variant is not present in population databases (gnomAD no frequency). This sequence change replaces proline, which is neutral and non-polar, with serine, which is neutral and polar, at codon 2533 of the NF1 protein (p.Pro2533Ser).

GeneDx
Classification: Uncertain significance. Last evaluated: 2023-02-07. Review status: criteria provided, single submitter. Criteria: GeneDx Variant Classification Process June 2021. Collection method: clinical testing. Allele origin: germline. Affected: yes.
Comment: Not observed at significant frequency in large population cohorts (gnomAD); In silico analysis supports that this missense variant does not alter protein structure/function; Has not been previously published as pathogenic or benign to our knowledge; This variant is associated with the following publications: (PMID: 25486365)

NM_001042492.3(NF1):c.7660C>T (p.Pro2554Ser)

Gene: NF1 (neurofibromin 1; plus strand). Cytogenetic location: 17q11.2.
Variant type: single nucleotide variant.
Coding change: c.7660C>T on transcript NM_001042492.3 (MANE Select); coding-DNA position 7660, C replaced by T.
Protein change: p.Pro2554Ser; replaces proline 2554 with serine.
Molecular consequence: missense variant.
Genome position (GRCh38, 1-based): chr17:31,356,504, C>T. VCF-style: chr17-31356504-C-T. GRCh37 (hg19) VCF-style: chr17-29683522-C-T.
Other names: c.7597C>T, p.Pro2533Ser (NM_000267.4); short protein forms P2533S, P2554S.
Identifiers: ClinVar variation 2574758 (VCV002574758.4), dbSNP rs2151581124, ClinGen allele CA399018071.
Genomic context (GRCh38, chr17:31,356,504, plus strand): 5'-TAACTTTTGTTTATAGGAACAAGGAAAAGTTTTGATCACTTGATATCAGACACAAAGGCT[C>T]CTAAAAGGCAAGAAATGGAATCAGGGATCACAACACCCCCCAAAATGAGGAGAGTAGCAG-3'
Protein context (NP_001035957.1, residues 2544-2564): FDHLISDTKA[Pro2554Ser]KRQEMESGIT